The following is an entry in ClinVar:

NM_000426.4(LAMA2):c.67C>T (p.Gln23Ter)

Gene: LAMA2 (laminin subunit alpha 2; plus strand). Cytogenetic location: 6q22.33.
Variant type: single nucleotide variant.
Coding change: c.67C>T on transcript NM_000426.4 (MANE Select); coding-DNA position 67, C replaced by T.
Protein change: p.Gln23Ter; replaces glutamine 23 with a stop codon.
Molecular consequence: nonsense.
Genome position (GRCh38, 1-based): chr6:128,883,312, C>T. VCF-style: chr6-128883312-C-T. GRCh37 (hg19) VCF-style: chr6-129204457-C-T.
Other names: c.67C>T, p.Gln23Ter (NM_001079823.2); short protein forms Q23*.
Identifiers: ClinVar variation 2031053 (VCV002031053.4), dbSNP rs2482367178, ClinGen allele CA365828278.

ClinVar aggregate classification (germline): Pathogenic (1 of 4 stars; one submission).

Conditions:
LAMA2-related muscular dystrophy (LAMA2-RD). Also called: Laminin alpha 2-related dystrophy. Identifiers: MedGen C5679788, MONDO:0100228.

Allele frequency attached by ClinVar (database versions not stated): gnomAD exomes below 0.00001.
gnomAD v4.1: 1 of 1,596,106 alleles (0.000063%); highest among the groups gnomAD compares: Non-Finnish European, 0.000085%; no homozygotes.

Submission:

Labcorp Genetics (formerly Invitae), Labcorp
Classification: Pathogenic for LAMA2-related muscular dystrophy. Last evaluated: 2021-12-03. Review status: criteria provided, single submitter. Criteria: Invitae Variant Classification Sherloc (09022015). Collection method: clinical testing. Allele origin: germline.
Comment: For these reasons, this variant has been classified as Pathogenic. This variant has not been reported in the literature in individuals affected with LAMA2-related conditions. This variant is not present in population databases (gnomAD no frequency). This sequence change creates a premature translational stop signal (p.Gln23*) in the LAMA2 gene. It is expected to result in an absent or disrupted protein product. Loss-of-function variants in LAMA2 are known to be pathogenic (PMID: 18700894, 32904964).

Literature cited by the submitters: PubMed 18700894; PubMed 32904964.